The following is an entry in ClinVar:

ClinVar aggregate classification (germline): Uncertain significance (1 of 4 stars; one submission).

gnomAD v4.1: 2 of 1,611,646 alleles (0.00012%); highest among the groups gnomAD compares: Admixed American, 0.0017%; no homozygotes.

Submission:

Ambry Genetics
Classification: Uncertain significance. Last evaluated: 2025-02-19. Review status: criteria provided, single submitter. Criteria: Ambry Variant Classification Scheme 2023. Collection method: clinical testing. Allele origin: germline.
Comment: The p.N1230S variant (also known as c.3689A>G), located in coding exon 13 of the CDK12 gene, results from an A to G substitution at nucleotide position 3689. The asparagine at codon 1230 is replaced by serine, an amino acid with highly similar properties. This amino acid position is conserved. In addition, this alteration is predicted to be tolerated by in silico analysis. Based on the available evidence, the clinical significance of this variant remains unclear.

NM_016507.4(CDK12):c.3689A>G (p.Asn1230Ser)

Gene: CDK12 (cyclin dependent kinase 12; plus strand). Cytogenetic location: 17q12.
Variant type: single nucleotide variant.
Coding change: c.3689A>G on transcript NM_016507.4 (MANE Select); coding-DNA position 3689, A replaced by G.
Protein change: p.Asn1230Ser; replaces asparagine 1230 with serine.
Molecular consequence: missense variant.
Genome position (GRCh38, 1-based): chr17:39,526,245, A>G. VCF-style: chr17-39526245-A-G. GRCh37 (hg19) VCF-style: chr17-37682498-A-G.
Other names: c.3689A>G, p.Asn1230Ser (NM_015083.4); short protein forms N1230S.
Identifiers: ClinVar variation 3830687 (VCV003830687.1).